The following is an entry in ClinVar:

NM_001384900.1(SEMA3D):c.1546-9G>A

Gene: SEMA3D (semaphorin 3D; minus strand). Cytogenetic location: 7q21.11.
Variant type: single nucleotide variant.
Coding change: c.1546-9G>A on transcript NM_001384900.1 (MANE Select); 9 bases into the intron before coding-DNA position 1546, G replaced by A.
Molecular consequence: intron variant.
Genome position (GRCh38, 1-based): chr7:85,015,225, C>T on the plus strand (G>A on the coding strand, the complement: SEMA3D is on the minus strand). VCF-style: chr7-85015225-C-T. GRCh37 (hg19) VCF-style: chr7-84644541-C-T.
Other names: c.1546-9G>A (NM_001384901.1, NM_001384903.1, NM_001384902.1 and 1 more transcripts).
Identifiers: ClinVar variation 791159 (VCV000791159.7), dbSNP rs75119079, ClinGen allele CA4323369.

ClinVar aggregate classification (germline): Benign. Review status: criteria provided, multiple submitters, no conflicts (2 of 4 stars). 3 submissions from 3 submitters: Benign (2). 1 of the submissions does not count toward it. Last evaluated 2019-12-31.

Conditions:
SEMA3D-related disorder. Also called: SEMA3D-related condition.

Allele frequency attached by ClinVar (database versions not stated): 1000 Genomes Project 0.02236; gnomAD 0.02296 and 0.02481; 1000 Genomes Project 30x 0.02452; TOPMed 0.02551; ESP Exome Variant Server 0.02760.
gnomAD v4.1: 6,725 of 1,601,502 alleles (0.42%); highest among the groups gnomAD compares: African/African-American, 7.9%; 258 homozygotes.

Submissions (3):

Labcorp Genetics (formerly Invitae), Labcorp
Classification: Benign. Last evaluated: 2019-12-31. Review status: criteria provided, single submitter. Criteria: Invitae Variant Classification Sherloc (09022015). Collection method: clinical testing. Allele origin: germline.

Breakthrough Genomics
Classification: Benign. Review status: criteria provided, single submitter. Criteria: ACMG Guidelines, 2015. Collection method: not provided. Allele origin: germline. Inheritance: Unknown mechanism. Affected: yes.

PreventionGenetics, part of Exact Sciences
Classification: Benign for SEMA3D-related condition. Last evaluated: 2019-04-01. Review status: no assertion criteria provided. Collection method: clinical testing. Allele origin: germline. Not counted in ClinVar's aggregate classification.
Comment: This variant is classified as benign based on ACMG/AMP sequence variant interpretation guidelines (Richards et al. 2015 PMID: 25741868, with internal and published modifications).